The following is an entry in ClinVar:

ClinVar aggregate classification (germline): Uncertain significance (1 of 4 stars; one submission).

Conditions:
Familial cancer of breast. Also called: Hereditary breast cancer; hereditary breast carcinoma; BREAST CANCER, FAMILIAL. Identifiers: Orphanet 227535, MedGen C0346153, MONDO:0016419, OMIM 114480. Disease mechanism: loss of function.

Submission:

Labcorp Genetics (formerly Invitae), Labcorp
Classification: Uncertain significance for Familial cancer of breast. Last evaluated: 2025-11-12. Review status: criteria provided, single submitter. Criteria: Invitae Variant Classification Sherloc (09022015). Collection method: clinical testing. Allele origin: germline.
Comment: This sequence change replaces tyrosine, which is neutral and polar, with phenylalanine, which is neutral and non-polar, at codon 1185 of the PALB2 protein (p.Tyr1185Phe). This variant is not present in population databases (gnomAD no frequency). This variant has not been reported in the literature in individuals affected with PALB2-related conditions. An algorithm developed to predict the effect of missense changes on protein structure and function (PolyPhen-2) suggests that this variant is likely to be tolerated. In summary, the available evidence is currently insufficient to determine the role of this variant in disease. Therefore, it has been classified as a Variant of Uncertain Significance.

NM_024675.4(PALB2):c.3554A>T (p.Tyr1185Phe)

Gene: PALB2 (partner and localizer of BRCA2; minus strand). Cytogenetic location: 16p12.2.
Variant type: single nucleotide variant.
Coding change: c.3554A>T on transcript NM_024675.4 (MANE Select); coding-DNA position 3554, A replaced by T.
Protein change: p.Tyr1185Phe; replaces tyrosine 1185 with phenylalanine.
Molecular consequence: missense variant. On other transcripts: 3 prime UTR variant (5).
Genome position (GRCh38, 1-based): chr16:23,603,466, T>A on the plus strand (A>T on the coding strand, the complement: PALB2 is on the minus strand). VCF-style: chr16-23603466-T-A. GRCh37 (hg19) VCF-style: chr16-23614787-T-A.
Other names: c.3494A>T, p.Tyr1165Phe (NM_001407296.1); c.3482A>T, p.Tyr1161Phe (NM_001407297.1); c.3392A>T, p.Tyr1131Phe (NM_001407298.1); c.3317A>T, p.Tyr1106Phe (NM_001407299.1); c.3275A>T, p.Tyr1092Phe (NM_001407300.1); c.*189A>T (NM_001407301.1, NM_001407302.1, NM_001407310.1 and 2 more transcripts); c.2669A>T, p.Tyr890Phe (NM_001407304.1, NM_001407305.1, NM_001407306.1); c.2507A>T, p.Tyr836Phe (NM_001407307.1); and 3 more; short protein forms Y1092F, Y1106F, Y363F, Y1161F, Y589F, Y836F, Y890F, Y1185F.
Identifiers: ClinVar variation 4731091 (VCV004731091.1).